The following is an entry in ClinVar:

ClinVar aggregate classification (germline): Uncertain significance (1 of 4 stars; one submission).

Submission:

Mayo Clinic Laboratories, Mayo Clinic
Classification: Uncertain significance. Last evaluated: 2025-08-29. Review status: criteria provided, single submitter. Criteria: ACMG Guidelines, 2015. Collection method: clinical testing. Allele origin: germline. Observed: 1 variant allele.
Comment: BP4_moderate

NM_000135.4(FANCA):c.962G>T (p.Ser321Ile)

Gene: FANCA (FA complementation group A; minus strand). Cytogenetic location: 16q24.3.
Variant type: single nucleotide variant.
Coding change: c.962G>T on transcript NM_000135.4 (MANE Select); coding-DNA position 962, G replaced by T.
Protein change: p.Ser321Ile; replaces serine 321 with isoleucine.
Molecular consequence: missense variant.
Genome position (GRCh38, 1-based): chr16:89,795,950, C>A on the plus strand (G>T on the coding strand, the complement: FANCA is on the minus strand). VCF-style: chr16-89795950-C-A. GRCh37 (hg19) VCF-style: chr16-89862358-C-A.
Other names: p.Ser321Ile; c.962G>T, p.Ser321Ile (NM_001286167.3); short protein forms S321I.
Identifiers: ClinVar variation 4542106 (VCV004542106.1).